The following is an entry in ClinVar:

ClinVar aggregate classification (germline): Uncertain significance (1 of 4 stars; one submission).

Allele frequency attached by ClinVar (database versions not stated): ExAC 0.00002; TOPMed 0.00003.
gnomAD v4.1: 7 of 1,576,336 alleles (0.00044%); highest among the groups gnomAD compares: Admixed American, 0.012%; no homozygotes.

Submission:

Labcorp Genetics (formerly Invitae), Labcorp
Classification: Uncertain significance. Last evaluated: 2025-10-01. Review status: criteria provided, single submitter. Criteria: Invitae Variant Classification Sherloc (09022015). Collection method: clinical testing. Allele origin: germline.
Comment: This sequence change replaces valine, which is neutral and non-polar, with glycine, which is neutral and non-polar, at codon 21 of the GMNN protein (p.Val21Gly). This variant is present in population databases (rs763963078, gnomAD 0.02%). This variant has not been reported in the literature in individuals affected with GMNN-related conditions. ClinVar contains an entry for this variant (Variation ID: 1898797). An algorithm developed to predict the effect of missense changes on protein structure and function (PolyPhen-2) suggests that this variant is likely to be disruptive. In summary, the available evidence is currently insufficient to determine the role of this variant in disease. Therefore, it has been classified as a Variant of Uncertain Significance.

NM_015895.5(GMNN):c.62T>G (p.Val21Gly)

Gene: GMNN (geminin DNA replication inhibitor; plus strand). Cytogenetic location: 6p22.3.
Variant type: single nucleotide variant.
Coding change: c.62T>G on transcript NM_015895.5 (MANE Select); coding-DNA position 62, T replaced by G.
Protein change: p.Val21Gly; replaces valine 21 with glycine.
Molecular consequence: missense variant.
Genome position (GRCh38, 1-based): chr6:24,780,673, T>G. VCF-style: chr6-24780673-T-G. GRCh37 (hg19) VCF-style: chr6-24780901-T-G.
Other names: c.62T>G, p.Val21Gly (NM_001251989.2, NM_001251990.2, NM_001251991.1); short protein forms V21G.
Identifiers: ClinVar variation 1898797 (VCV001898797.5), dbSNP rs763963078, ClinGen allele CA3658802.